The following is an entry in ClinVar:

ClinVar aggregate classification (germline): Likely benign. Review status: criteria provided, multiple submitters, no conflicts (2 of 4 stars). 5 submissions from 5 submitters: Likely benign (4). 1 of the submissions does not count toward it. Last evaluated 2026-07-06.

Conditions:
SMARCA4-related disorder. Also called: SMARCA4-related condition.
Hereditary cancer-predisposing syndrome. Also called: Hereditary Cancer Syndrome; Hereditary neoplastic syndrome; Neoplastic Syndromes, Hereditary; Tumor predisposition. Identifiers: Orphanet 140162, MedGen C0027672, MeSH D009386, MONDO:0015356.
Intellectual disability, autosomal dominant 16 (CSS4). Also called: COFFIN-SIRIS SYNDROME 4. Identifiers: Orphanet 1465, MedGen C3553249, MONDO:0013821, OMIM 614609.
Rhabdoid tumor predisposition syndrome 2 (RTPS2). Identifiers: Orphanet 231108, Orphanet 69077, MedGen C2750074, MONDO:0013224, OMIM 613325.

Allele frequency attached by ClinVar (database versions not stated): gnomAD 0.00002 and 0.00001; TOPMed 0.00002; ExAC 0.00003; gnomAD exomes 0.00004; ESP Exome Variant Server 0.00008.
gnomAD v4.1: 35 of 1,613,106 alleles (0.0022%); highest among the groups gnomAD compares: Middle Eastern, 0.033%; no homozygotes.

Submissions (5):

Myriad Genetics, Inc.
Classification: Likely benign for Rhabdoid tumor predisposition syndrome 2. Last evaluated: 2026-07-06. Review status: criteria provided, single submitter. Criteria: Myriad Autosomal Dominant, Autosomal Recessive and X-Linked Classification Criteria (2023). Collection method: clinical testing. Allele origin: unknown.
Comment: This variant is considered likely benign. This variant has been observed at a population frequency that is significantly greater than expected given the associated disease prevalence and penetrance.

Labcorp Genetics (formerly Invitae), Labcorp
Classification: Likely benign for Rhabdoid tumor predisposition syndrome 2. Last evaluated: 2026-01-25. Review status: criteria provided, single submitter. Criteria: Invitae Variant Classification Sherloc (09022015). Collection method: clinical testing. Allele origin: germline.

Genome-Nilou Lab
Classification: Likely benign for Intellectual disability, autosomal dominant 16. Last evaluated: 2021-07-15. Review status: criteria provided, single submitter. Criteria: ACMG Guidelines, 2015. Collection method: clinical testing. Allele origin: germline. Affected: no.

Ambry Genetics
Classification: Likely benign for Hereditary cancer-predisposing syndrome. Last evaluated: 2018-11-28. Review status: criteria provided, single submitter. Criteria: Ambry Variant Classification Scheme 2023. Collection method: clinical testing. Allele origin: germline.

PreventionGenetics, part of Exact Sciences
Classification: Likely benign for SMARCA4-related condition. Last evaluated: 2023-07-17. Review status: no assertion criteria provided. Collection method: clinical testing. Allele origin: germline. Not counted in ClinVar's aggregate classification.
Comment: This variant is classified as likely benign based on ACMG/AMP sequence variant interpretation guidelines (Richards et al. 2015 PMID: 25741868, with internal and published modifications).

NM_003072.5(SMARCA4):c.505C>T (p.Pro169Ser)

Gene: SMARCA4 (SWI/SNF related BAF chromatin remodeling complex subunit ATPase 4; plus strand). Cytogenetic location: 19p13.2.
Variant type: single nucleotide variant.
Coding change: c.505C>T on transcript NM_003072.5 (MANE Select); coding-DNA position 505, C replaced by T.
Protein change: p.Pro169Ser; replaces proline 169 with serine.
Molecular consequence: missense variant. On other transcripts: non-coding transcript variant (1).
Genome position (GRCh38, 1-based): chr19:10,986,338, C>T. VCF-style: chr19-10986338-C-T. GRCh37 (hg19) VCF-style: chr19-11097014-C-T.
Other names: c.505C>T, p.Pro169Ser (NM_001387283.1, NM_001128844.3, NM_001128845.2 and 5 more transcripts); short protein forms P169S.
Identifiers: ClinVar variation 408689 (VCV000408689.18), dbSNP rs142886157, ClinGen allele CA9203519.